The following is an entry in ClinVar:

ClinVar aggregate classification (germline): Uncertain significance (1 of 4 stars; one submission).

Conditions:
Developmental and epileptic encephalopathy, 14 (DEE14). Also called: Early infantile epileptic encephalopathy 14. Identifiers: Orphanet 293181, MedGen C3554195, MONDO:0013989, OMIM 614959.
Autosomal dominant nocturnal frontal lobe epilepsy 5. Also called: Epilepsy, nocturnal frontal lobe, 5; CILIARY DYSKINESIA, PRIMARY, 28, WITH SITUS INVERSUS; CILIARY DYSKINESIA, PRIMARY, 28, WITHOUT SITUS INVERSUS; KCNT1-Related Epilepsy. Identifiers: Orphanet 98784, MedGen C3554306, MONDO:0014002, OMIM 615005.

Allele frequency attached by ClinVar (database versions not stated): gnomAD exomes below 0.00001; ExAC 0.00001; gnomAD 0.00001.
gnomAD v4.1: 7 of 1,613,768 alleles (0.00043%); highest among the groups gnomAD compares: East Asian, 0.0022%; no homozygotes.

Submission:

Labcorp Genetics (formerly Invitae), Labcorp
Classification: Uncertain significance for Autosomal dominant nocturnal frontal lobe epilepsy 5; Developmental and epileptic encephalopathy, 14. Last evaluated: 2023-10-16. Review status: criteria provided, single submitter. Criteria: Invitae Variant Classification Sherloc (09022015). Collection method: clinical testing. Allele origin: germline.
Comment: This sequence change replaces alanine, which is neutral and non-polar, with valine, which is neutral and non-polar, at codon 897 of the KCNT1 protein (p.Ala897Val). This variant is present in population databases (rs780021080, gnomAD 0.007%). This missense change has been observed in individual(s) with epilepsy (PMID: 35571021). ClinVar contains an entry for this variant (Variation ID: 2075550). Advanced modeling of protein sequence and biophysical properties (such as structural, functional, and spatial information, amino acid conservation, physicochemical variation, residue mobility, and thermodynamic stability) performed at Invitae indicates that this missense variant is not expected to disrupt KCNT1 protein function. In summary, the available evidence is currently insufficient to determine the role of this variant in disease. Therefore, it has been classified as a Variant of Uncertain Significance.

Literature cited by the submitters: PubMed 35571021.

NM_020822.3(KCNT1):c.2690C>T (p.Ala897Val)

Gene: KCNT1 (potassium sodium-activated channel subfamily T member 1; plus strand). Cytogenetic location: 9q34.3.
Variant type: single nucleotide variant.
Coding change: c.2690C>T on transcript NM_020822.3 (MANE Select); coding-DNA position 2690, C replaced by T.
Protein change: p.Ala897Val; replaces alanine 897 with valine.
Molecular consequence: missense variant.
Genome position (GRCh38, 1-based): chr9:135,778,783, C>T. VCF-style: chr9-135778783-C-T. GRCh37 (hg19) VCF-style: chr9-138670629-C-T.
Other names: c.2555C>T, p.Ala852Val (NM_001272003.2); short protein forms A852V, A897V.
Identifiers: ClinVar variation 2075550 (VCV002075550.4), dbSNP rs780021080, ClinGen allele CA5327390.
Genomic context (GRCh38, chr9:135,778,783, plus strand): 5'-CGGACAACCTGGTGGTGGTGGACAAGGAGAGCACCATGAGCGCCGAGGAGGACTACATGG[C>T]GGACGCCAAGACCATCGTCAACGTGCAGACCATGTTCCGGTGCGTCCAGTGTCCGGGGCT-3'
Protein context (NP_065873.2, residues 887-907): STMSAEEDYM[Ala897Val]DAKTIVNVQT